The following is an entry in ClinVar:

ClinVar aggregate classification (germline): Uncertain significance (1 of 4 stars; one submission).

Submission:

Dasa
Classification: Uncertain significance. Last evaluated: 2025-08-18. Review status: criteria provided, single submitter. Criteria: DASA Assertion Criteria. Collection method: clinical testing. Allele origin: germline.
Comment: NM_001142864.4(PIEZO1):c.6472-48C>T is an intronic variant. This variant is rare in population databases. The currently available literature and clinical evidence are not sufficient to establish a definitive association between this variant and the reported condition. Therefore, this variant is classified as a variant of uncertain significance.

NM_001142864.4(PIEZO1):c.6472-48C>T

Gene: PIEZO1 (piezo type mechanosensitive ion channel component 1 (Er blood group); minus strand). Cytogenetic location: 16q24.3.
Variant type: single nucleotide variant.
Coding change: c.6472-48C>T on transcript NM_001142864.4 (MANE Select); 48 bases into the intron before coding-DNA position 6472, C replaced by T.
Molecular consequence: intron variant.
Genome position (GRCh38, 1-based): chr16:88,717,259, G>A on the plus strand (C>T on the coding strand, the complement: PIEZO1 is on the minus strand). VCF-style: chr16-88717259-G-A. GRCh37 (hg19) VCF-style: chr16-88783667-G-A.
Identifiers: ClinVar variation 4883264 (VCV004883264.2).